The following is an entry in ClinVar:

NM_001134673.4(NFIA):c.254C>A (p.Pro85His)

Gene: NFIA (nuclear factor I A; plus strand). Cytogenetic location: 1p31.3.
Variant type: single nucleotide variant.
Coding change: c.254C>A on transcript NM_001134673.4 (MANE Select); coding-DNA position 254, C replaced by A.
Protein change: p.Pro85His; replaces proline 85 with histidine.
Molecular consequence: missense variant.
Genome position (GRCh38, 1-based): chr1:61,088,375, C>A. VCF-style: chr1-61088375-C-A. GRCh37 (hg19) VCF-style: chr1-61554047-C-A.
Other names: c.230C>A, p.Pro77His (NM_001145511.2); c.389C>A, p.Pro130His (NM_001145512.2); c.254C>A, p.Pro85His (NM_005595.5); short protein forms P130H, P77H, P85H.
Identifiers: ClinVar variation 2288124 (VCV002288124.7), dbSNP rs377002433, ClinGen allele CA880922.

ClinVar aggregate classification (germline): Uncertain significance. Review status: criteria provided, multiple submitters, no conflicts (2 of 4 stars). 3 submissions from 3 submitters: Uncertain significance (3). Last evaluated 2026-07-29.

Conditions:
Inborn genetic diseases. Identifiers: MedGen C0950123, MeSH D030342.

Allele frequency attached by ClinVar (database versions not stated): ExAC 0.00001; gnomAD 0.00003; TOPMed 0.00003; gnomAD exomes below 0.00001; ESP Exome Variant Server 0.00008.
gnomAD v4.1: 13 of 1,613,544 alleles (0.00081%); highest among the groups gnomAD compares: African/African-American, 0.0027%; no homozygotes.

Submissions (3):

Ambry Genetics
Classification: Uncertain significance for Inborn genetic diseases. Last evaluated: 2026-07-29. Review status: criteria provided, single submitter. Criteria: Ambry Variant Classification Scheme 2023. Collection method: clinical testing. Allele origin: germline.

Labcorp Genetics (formerly Invitae), Labcorp
Classification: Uncertain significance. Last evaluated: 2024-03-17. Review status: criteria provided, single submitter. Criteria: Invitae Variant Classification Sherloc (09022015). Collection method: clinical testing. Allele origin: germline.
Comment: This sequence change replaces proline, which is neutral and non-polar, with histidine, which is basic and polar, at codon 85 of the NFIA protein (p.Pro85His). This variant is present in population databases (rs377002433, gnomAD 0.0009%). This variant has not been reported in the literature in individuals affected with NFIA-related conditions. ClinVar contains an entry for this variant (Variation ID: 2288124). An algorithm developed to predict the effect of missense changes on protein structure and function (PolyPhen-2) suggests that this variant is likely to be disruptive. In summary, the available evidence is currently insufficient to determine the role of this variant in disease. Therefore, it has been classified as a Variant of Uncertain Significance.

Blueprint Genetics
Classification: Uncertain significance. Last evaluated: 2023-04-24. Review status: criteria provided, single submitter. Criteria: ACMG Guidelines, 2015. Collection method: clinical testing. Allele origin: germline.